The following is an entry in ClinVar:

NM_001273.5(CHD4):c.4328G>A (p.Trp1443Ter)

Genes: CHD4 (chromodomain helicase DNA binding protein 4; minus strand), CHD4-AS1 (CHD4 antisense RNA 1; plus strand). Cytogenetic location: 12p13.31.
Variant type: single nucleotide variant.
Coding change: c.4328G>A on transcript NM_001273.5 (MANE Select); coding-DNA position 4328, G replaced by A.
Protein change: p.Trp1443Ter; replaces tryptophan 1443 with a stop codon.
Molecular consequence: nonsense.
Genome position (GRCh38, 1-based): chr12:6,582,657, C>T on the plus strand (G>A on the coding strand, the complement: CHD4 is on the minus strand). VCF-style: chr12-6582657-C-T. GRCh37 (hg19) VCF-style: chr12-6691823-C-T.
Other names: c.4307G>A, p.Trp1436Ter (NM_001297553.2); c.4289G>A, p.Trp1430Ter (NM_001363606.2); short protein forms W1430*, W1436*, W1443*.
Identifiers: ClinVar variation 3391255 (VCV003391255.1).

ClinVar aggregate classification (germline): Uncertain significance (1 of 4 stars; one submission).

Conditions:
Sifrim-Hitz-Weiss syndrome (SIHIWES). Also called: CHD4 Neurodevelopmental Disorder; SIFRIM-HITZ-WEISS MULTIPLE CONGENITAL ANOMALIES-MENTAL RETARDATION SYNDROME. Identifiers: Orphanet 653712, MedGen C4310688, MONDO:0014946, OMIM 617159.

Submission:

Neuberg Centre For Genomic Medicine, NCGM
Classification: Uncertain significance for Sifrim-Hitz-Weiss syndrome. Last evaluated: 2023-07-22. Review status: criteria provided, single submitter. Criteria: ACMG Guidelines, 2015. Collection method: clinical testing. Allele origin: germline. Inheritance: Autosomal dominant inheritance. Affected: yes.
Comment: The observed stop gain c.4328G>Ap.Trp1443Ter variant has not been reported previously as a pathogenic variant nor as a benign variant, to our knowledge. This variant has not been submitted to the ClinVar database. The c.4328G>A variant is absent in gnomAD Exomes database. Computational evidence MutationTaster - Disease causing predict damaging effect on protein structure and function for this variant. The nucleotide change c.4328G>A in CHD4 is predicted as conserved by GERP++ and PhyloP across 100 vertebrates. For these reasons, this variant has been classified as Uncertain Significance VUS.